The following is an entry in ClinVar:

ClinVar aggregate classification (germline): Uncertain significance (1 of 4 stars; one submission).

Conditions:
Perry syndrome. Also called: PARKINSONISM WITH ALVEOLAR HYPOVENTILATION AND MENTAL DEPRESSION. Identifiers: Orphanet 178509, MedGen C1868594, MONDO:0008201, OMIM 168605.
Neuronopathy, distal hereditary motor, type 7B. Also called: HMN VIIB; Distal Hereditary Motor Neuronopathy Type 7B (dHMN7B); LOWER MOTOR NEURON DISEASE, DYNACTIN TYPE; NEURONOPATHY, DISTAL HEREDITARY MOTOR, AUTOSOMAL DOMINANT 14; NEURONOPATHY, DISTAL HEREDITARY MOTOR, HARDING TYPE VIIB; NEUROPATHY, DISTAL HEREDITARY MOTOR, HARDING TYPE VIIB. Identifiers: Orphanet 139589, MedGen C1843315, MONDO:0011879, OMIM 607641.
Amyotrophic lateral sclerosis type 1 (ALS1). Also called: AMYOTROPHIC LATERAL SCLEROSIS 1, FAMILIAL. Identifiers: Orphanet 803, MedGen C1862939, MONDO:0007103, OMIM 105400.

Allele frequency attached by ClinVar (database versions not stated): gnomAD exomes below 0.00001.
gnomAD v4.1: 1 of 1,614,140 alleles (0.000062%); highest among the groups gnomAD compares: Non-Finnish European, 0.000085%; no homozygotes.

Submission:

Labcorp Genetics (formerly Invitae), Labcorp
Classification: Uncertain significance for Amyotrophic lateral sclerosis type 1; Neuronopathy, distal hereditary motor, type 7B; Perry syndrome. Last evaluated: 2020-12-01. Review status: criteria provided, single submitter. Criteria: Invitae Variant Classification Sherloc (09022015). Collection method: clinical testing. Allele origin: germline.
Comment: In summary, the available evidence is currently insufficient to determine the role of this variant in disease. Therefore, it has been classified as a Variant of Uncertain Significance. This variant has not been reported in the literature in individuals with DCTN1-related conditions. This variant is not present in population databases (ExAC no frequency). This sequence change creates a premature translational stop signal (p.Arg41*) in the DCTN1 gene. It is expected to result in an absent or disrupted protein product. However, the current clinical and genetic evidence is not sufficient to establish whether loss-of-function variants in DCTN1 cause disease.

NM_004082.5(DCTN1):c.121C>T (p.Arg41Ter)

Gene: DCTN1 (dynactin subunit 1; minus strand). Cytogenetic location: 2p13.1.
Variant type: single nucleotide variant.
Coding change: c.121C>T on transcript NM_004082.5 (MANE Select); coding-DNA position 121, C replaced by T.
Protein change: p.Arg41Ter; replaces arginine 41 with a stop codon.
Molecular consequence: nonsense. On other transcripts: non-coding transcript variant (1).
Genome position (GRCh38, 1-based): chr2:74,378,158, G>A on the plus strand (C>T on the coding strand, the complement: DCTN1 is on the minus strand). VCF-style: chr2-74378158-G-A. GRCh37 (hg19) VCF-style: chr2-74605285-G-A.
Other names: c.121C>T, p.Arg41Ter (NM_001135040.3, NM_001190837.2); c.70C>T, p.Arg24Ter (NM_001190836.2, NM_001378991.1, NM_001378992.1); short protein forms R41*, R24*.
Identifiers: ClinVar variation 1489969 (VCV001489969.6), dbSNP rs2103723456, ClinGen allele CA347322776.